The following is an entry in ClinVar:

NM_001077415.3(CRELD1):c.1218A>G (p.Ser406=)

Gene: CRELD1 (CRELD disulfide isomerase 1; plus strand). Cytogenetic location: 3p25.3.
Variant type: single nucleotide variant.
Coding change: c.1218A>G on transcript NM_001077415.3 (MANE Select); coding-DNA position 1218, A replaced by G.
Protein change: p.Ser406=; no amino-acid change (serine 406 retained).
Molecular consequence: synonymous variant. On other transcripts: 3 prime UTR variant (4), non-coding transcript variant (3).
Genome position (GRCh38, 1-based): chr3:9,944,534, A>G. VCF-style: chr3-9944534-A-G. GRCh37 (hg19) VCF-style: chr3-9986218-A-G.
Other names: c.*143A>G (NM_001031717.4, NM_001374317.1, NM_001374318.1); c.1218A>G, p.Ser406= (NM_001374316.1, NM_015513.6); c.1134A>G, p.Ser378= (NM_001374319.1, NM_001374320.1); c.*783A>G (NM_001410713.1).
Identifiers: ClinVar variation 3771247 (VCV003771247.13).

ClinVar aggregate classification (germline): Likely benign (1 of 4 stars; one submission).

gnomAD v4.1: 7 of 1,611,730 alleles (0.00043%); highest among the groups gnomAD compares: Non-Finnish European, 0.00059%; no homozygotes.

Submission:

CeGaT Center for Human Genetics Tuebingen
Classification: Likely benign. Last evaluated: 2024-12-01. Review status: criteria provided, single submitter. Criteria: CeGaT Center For Human Genetics Tuebingen Variant Classification Criteria Version 2. Collection method: clinical testing. Allele origin: germline. Affected: yes. Observed: 1 variant allele.
Comment: CRELD1: BP4, BP7